The following is an entry in ClinVar:

ClinVar aggregate classification (germline): Uncertain significance (1 of 4 stars; one submission).

Conditions:
Charcot-Marie-Tooth disease axonal type 2U. Also called: CHARCOT-MARIE-TOOTH NEUROPATHY, TYPE 2U; CHARCOT-MARIE-TOOTH DISEASE, AXONAL, AUTOSOMAL DOMINANT, TYPE 2U. Identifiers: Orphanet 397735, MedGen C4084821, MONDO:0014566, OMIM 616280.
Severe early-onset pulmonary alveolar proteinosis due to MARS deficiency. Also called: PULMONARY ALVEOLAR PROTEINOSIS, REUNION ISLAND; Interstitial lung and liver disease. Identifiers: Orphanet 440427, MedGen C4225400, MONDO:0014206, OMIM 615486.

Allele frequency attached by ClinVar (database versions not stated): gnomAD exomes below 0.00001.
gnomAD v4.1: 2 of 1,614,138 alleles (0.00012%); highest among the groups gnomAD compares: Non-Finnish European, 0.00017%; no homozygotes.

Submission:

Labcorp Genetics (formerly Invitae), Labcorp
Classification: Uncertain significance for Charcot-Marie-Tooth disease axonal type 2U; Severe early-onset pulmonary alveolar proteinosis due to MARS deficiency. Last evaluated: 2019-06-27. Review status: criteria provided, single submitter. Criteria: Invitae Variant Classification Sherloc (09022015). Collection method: clinical testing. Allele origin: germline.
Comment: This sequence change replaces leucine with serine at codon 13 of the MARS protein (p.Leu13Ser). The leucine residue is highly conserved and there is a large physicochemical difference between leucine and serine. This variant is not present in population databases (ExAC no frequency). This variant has not been reported in the literature in individuals with MARS-related conditions. Algorithms developed to predict the effect of missense changes on protein structure and function are either unavailable or do not agree on the potential impact of this missense change (SIFT: "Deleterious"; PolyPhen-2: "Probably Damaging"; Align-GVGD: "Class C0"). In summary, the available evidence is currently insufficient to determine the role of this variant in disease. Therefore, it has been classified as a Variant of Uncertain Significance.

NM_004990.4(MARS1):c.38T>C (p.Leu13Ser)

Genes: ARHGAP9 (Rho GTPase activating protein 9; minus strand), MARS1 (methionyl-tRNA synthetase 1; plus strand). Cytogenetic location: 12q13.3.
Variant type: single nucleotide variant.
Coding change: c.38T>C on transcript NM_004990.4 (MANE Select); coding-DNA position 38, T replaced by C.
Protein change: p.Leu13Ser; replaces leucine 13 with serine.
Molecular consequence: missense variant. On other transcripts: intron variant (1).
Genome position (GRCh38, 1-based): chr12:57,488,128, T>C. VCF-style: chr12-57488128-T-C. GRCh37 (hg19) VCF-style: chr12-57881911-T-C.
Other names: c.-204+484A>G (NM_001319850.2); short protein forms L13S.
Identifiers: ClinVar variation 949640 (VCV000949640.11), dbSNP rs1875583589, ClinGen allele CA385490006.
Genomic context (GRCh38, chr12:57,488,128, plus strand): 5'-ATCAGCGAGGGATTCACGGCGAAATGAGACTGTTCGTGAGTGATGGCGTCCCGGGTTGCT[T>C]GCCGGTGCTGGCCGCCGCCGGGAGAGCCCGGGGCAGAGCAGAGGTGCTCATCAGCACTGT-3'
Protein context (NP_004981.2, residues 3-23): LFVSDGVPGC[Leu13Ser]PVLAAAGRAR